The following is an entry in ClinVar:

ClinVar aggregate classification (germline): Benign (1 of 4 stars; one submission).

Conditions:
Breast-ovarian cancer, familial, susceptibility to, 3. Also called: RAD51C-Related Breast/Ovarian Cancer. Identifiers: Orphanet 145, MedGen C3150659, MONDO:0013253, OMIM 613399.

Submission:

Myriad Genetics, Inc.
Classification: Benign for Breast-ovarian cancer, familial, susceptibility to, 3. Last evaluated: 2025-02-19. Review status: criteria provided, single submitter. Criteria: Myriad Autosomal Dominant, Autosomal Recessive and X-Linked Classification Criteria (2023). Collection method: clinical testing. Allele origin: unknown.
Comment: This variant is considered benign. This variant occurs in the non-coding 3' untranslated region of the gene, and is not expected to impact protein function.

NM_058216.3(RAD51C):c.*8A>G

Gene: RAD51C (RAD51 paralog C; plus strand). Cytogenetic location: 17q22.
Variant type: single nucleotide variant.
Coding change: c.*8A>G on transcript NM_058216.3 (MANE Select); 8 bases downstream of the stop codon, A replaced by G.
Molecular consequence: 3 prime UTR variant. On other transcripts: non-coding transcript variant (1).
Genome position (GRCh38, 1-based): chr17:58,734,230, A>G. VCF-style: chr17-58734230-A-G. GRCh37 (hg19) VCF-style: chr17-56811591-A-G.
Identifiers: ClinVar variation 3903634 (VCV003903634.1).